The following is an entry in ClinVar:

NM_000051.4(ATM):c.127C>A (p.Leu43Ile)

Gene: ATM (ATM serine/threonine kinase; plus strand). Cytogenetic location: 11q22.3.
Variant type: single nucleotide variant.
Coding change: c.127C>A on transcript NM_000051.4 (MANE Select); coding-DNA position 127, C replaced by A.
Protein change: p.Leu43Ile; replaces leucine 43 with isoleucine.
Molecular consequence: missense variant.
Genome position (GRCh38, 1-based): chr11:108,227,830, C>A. VCF-style: chr11-108227830-C-A. GRCh37 (hg19) VCF-style: chr11-108098557-C-A.
Other names: c.127C>A, p.Leu43Ile (NM_001351834.2, NM_001351835.2, NM_001351836.2); short protein forms L43I.
Identifiers: ClinVar variation 653762 (VCV000653762.15), dbSNP rs772591447, ClinGen allele CA382519959.

ClinVar aggregate classification (germline): Uncertain significance. Review status: criteria provided, multiple submitters, no conflicts (2 of 4 stars). 2 submissions from 2 submitters: Uncertain significance (2). Last evaluated 2025-01-17.

Conditions:
Ataxia-telangiectasia syndrome (AT). Also called: ATAXIA-TELANGIECTASIA, FRESNO VARIANT; Ataxia-telangiectasia, complementation group D; Cerebello-oculocutaneous telangiectasia; Immunodeficiency with ataxia telangiectasia; Ataxia-telangiectasia; Ataxia telangiectasia (A-T). Identifiers: Orphanet 100, MedGen C0004135, MONDO:0008840, OMIM 208900.
Malignant tumor of breast. Also called: Malignant breast neoplasm; Cancer breast. Identifiers: MedGen C0006142, MONDO:0007254. Disease mechanism: loss of function.
Hereditary cancer-predisposing syndrome. Also called: Neoplastic Syndromes, Hereditary; Hereditary neoplastic syndrome; Hereditary Cancer Syndrome; Tumor predisposition. Identifiers: Orphanet 140162, MedGen C0027672, MeSH D009386, MONDO:0015356.

Submissions (2):

Ambry Genetics
Classification: Uncertain significance for Hereditary cancer-predisposing syndrome. Last evaluated: 2025-01-17. Review status: criteria provided, single submitter. Criteria: Ambry Variant Classification Scheme 2023. Collection method: clinical testing. Allele origin: germline.
Comment: The p.L43I variant (also known as c.127C>A), located in coding exon 2 of the ATM gene, results from a C to A substitution at nucleotide position 127. The leucine at codon 43 is replaced by isoleucine, an amino acid with highly similar properties. This amino acid position is highly conserved in available vertebrate species. In addition, this alteration is predicted to be tolerated by in silico analysis. Based on the available evidence, the clinical significance of this variant remains unclear.

Labcorp Genetics (formerly Invitae), Labcorp
Classification: Uncertain significance for Ataxia-telangiectasia syndrome. Last evaluated: 2024-11-14. Review status: criteria provided, single submitter. Criteria: Invitae Variant Classification Sherloc (09022015). Collection method: clinical testing. Allele origin: germline.
Comment: This sequence change replaces leucine, which is neutral and non-polar, with isoleucine, which is neutral and non-polar, at codon 43 of the ATM protein (p.Leu43Ile). This variant is not present in population databases (gnomAD no frequency). This variant has not been reported in the literature in individuals affected with ATM-related conditions. ClinVar contains an entry for this variant (Variation ID: 653762). Invitae Evidence Modeling of protein sequence and biophysical properties (such as structural, functional, and spatial information, amino acid conservation, physicochemical variation, residue mobility, and thermodynamic stability) indicates that this missense variant is not expected to disrupt ATM protein function with a negative predictive value of 95%. In summary, the available evidence is currently insufficient to determine the role of this variant in disease. Therefore, it has been classified as a Variant of Uncertain Significance.